The following is an entry in ClinVar:

ClinVar aggregate classification (germline): Uncertain significance. Review status: reviewed by expert panel (3 of 4 stars). 3 submissions from 3 submitters: Uncertain significance (1). 2 of the submissions do not count toward it. Last evaluated 2024-09-30.

Conditions:
Hereditary thrombocytopenia and hematologic cancer predisposition syndrome. Identifiers: Orphanet 71290, MedGen CN281654, MONDO:0011071.
Inborn genetic diseases. Identifiers: MedGen C0950123, MeSH D030342.
Hereditary thrombocytopenia and hematological cancer predisposition syndrome associated with RUNX1. Also called: Familial Platelet Disorder with Propensity to Acute Myelogenous Leukemia; Familial thrombocytopenia with propensity to acute myelogenous leukemia; RUNX1 Familial Platelet Disorder with Associated Myeloid Malignancies; PLATELET DISORDER, ASPIRIN-LIKE. Identifiers: Orphanet 71290, MedGen C1832388, MeSH C563324, MONDO:0100083, OMIM 601399.

Submissions (3):

ClinGen Myeloid Malignancy Variant Curation Expert Panel
Classification: Uncertain significance for Hereditary thrombocytopenia and hematologic cancer predisposition syndrome. Last evaluated: 2024-09-30. Review status: reviewed by expert panel. Criteria: ClinGen MyeloMalig ACMG Specifications v2. Collection method: curation. Allele origin: germline. Inheritance: Autosomal dominant inheritance.
Comment: NM_001754.5(RUNX1):c.1222G>C (p.Gly408Arg) is a missense variant which has a REVEL score < 0.50 (0.289), and a SpliceAI score ≤ 0.20 (0.0) (BP4). This variant is completely absent from all population databases with at least 20x coverage for RUNX1 (PM2_Supporting). In summary, the clinical significance of this variant is uncertain. ACMG/AMP criteria applied, as specified by the Myeloid Malignancy Variant Curation Expert Panel for RUNX1: BP4, PM2_supporting.

Ambry Genetics
Classification: Uncertain significance for Inborn genetic diseases. Last evaluated: 2024-12-17. Review status: criteria provided, single submitter. Criteria: Ambry Variant Classification Scheme 2023. Collection method: clinical testing. Allele origin: germline. Not counted in ClinVar's aggregate classification.
Comment: The p.G408R variant (also known as c.1222G>C), located in coding exon 8 of the RUNX1 gene, results from a G to C substitution at nucleotide position 1222. The glycine at codon 408 is replaced by arginine, an amino acid with dissimilar properties. This amino acid position is well conserved in available vertebrate species. In addition, the in silico prediction for this alteration is inconclusive. Based on the available evidence, the clinical significance of this variant remains unclear.

Labcorp Genetics (formerly Invitae), Labcorp
Classification: Uncertain significance for Hereditary thrombocytopenia and hematological cancer predisposition syndrome associated with RUNX1. Last evaluated: 2023-04-07. Review status: criteria provided, single submitter. Criteria: Invitae Variant Classification Sherloc (09022015). Collection method: clinical testing. Allele origin: germline. Not counted in ClinVar's aggregate classification.
Comment: This sequence change replaces glycine, which is neutral and non-polar, with arginine, which is basic and polar, at codon 408 of the RUNX1 protein (p.Gly408Arg). This variant is not present in population databases (gnomAD no frequency). This variant has not been reported in the literature in individuals affected with RUNX1-related conditions. Advanced modeling of protein sequence and biophysical properties (such as structural, functional, and spatial information, amino acid conservation, physicochemical variation, residue mobility, and thermodynamic stability) performed at Invitae indicates that this missense variant is not expected to disrupt RUNX1 protein function. In summary, the available evidence is currently insufficient to determine the role of this variant in disease. Therefore, it has been classified as a Variant of Uncertain Significance.

NM_001754.5(RUNX1):c.1222G>C (p.Gly408Arg)

Gene: RUNX1 (RUNX family transcription factor 1; minus strand). Cytogenetic location: 21q22.12.
Variant type: single nucleotide variant.
Coding change: c.1222G>C on transcript NM_001754.5 (MANE Select); coding-DNA position 1222, G replaced by C.
Protein change: p.Gly408Arg; replaces glycine 408 with arginine.
Molecular consequence: missense variant.
Genome position (GRCh38, 1-based): chr21:34,792,356, C>G on the plus strand (G>C on the coding strand, the complement: RUNX1 is on the minus strand). VCF-style: chr21-34792356-C-G. GRCh37 (hg19) VCF-style: chr21-36164653-C-G.
Other names: NM_001754.5(RUNX1):c.1222G>C; p.Gly408Arg; c.1141G>C, p.Gly381Arg (NM_001001890.3); short protein forms G408R, G381R.
Identifiers: ClinVar variation 3023071 (VCV003023071.5), dbSNP rs2145875154, ClinGen allele CA410147744.
Genomic context (GRCh38, chr21:34,792,356, plus strand): 5'-TGCGCGGCGGCGAGCGCTCGCCGCCCACCATGGAGAACTGGTAGGAGCCGGCCGAGGCGC[C>G]GTAGTACAGGTGGTAGGAGGGCGAGCTGGCTTGGAACGGGCCTCCCTGCGCTTGCGACGA-3'
Protein context (NP_001745.2, residues 398-418): ASSPSYHLYY[Gly408Arg]ASAGSYQFSM